The following is an entry in ClinVar:

NM_001351132.2(PEX5):c.693C>A (p.Ser231=)

Gene: PEX5 (peroxisomal biogenesis factor 5; plus strand). Cytogenetic location: 12p13.31.
Variant type: single nucleotide variant.
Coding change: c.693C>A on transcript NM_001351132.2 (MANE Select); coding-DNA position 693, C replaced by A.
Protein change: p.Ser231=; no amino-acid change (serine 231 retained).
Molecular consequence: synonymous variant. On other transcripts: intron variant (15).
Genome position (GRCh38, 1-based): chr12:7,202,291, C>A. VCF-style: chr12-7202291-C-A. GRCh37 (hg19) VCF-style: chr12-7354887-C-A.
Other names: c.693C>A, p.Ser231= (NM_000319.5, NM_001131025.2, NM_001131026.2 and 6 more transcripts); c.738C>A, p.Ser246= (NM_001131023.2); c.643-321C>A (NM_001351124.3, NM_001351126.2, NM_001374646.1 and 10 more transcripts); c.688-321C>A (NM_001351135.3, NM_001351138.2).
Identifiers: ClinVar variation 2098407 (VCV002098407.4), dbSNP rs140332077, ClinGen allele CA478186028.

ClinVar aggregate classification (germline): Uncertain significance (1 of 4 stars; one submission).

Conditions:
Peroxisome biogenesis disorder 2B (PBD2B). Identifiers: Orphanet 44, MedGen C3550234, MONDO:0008736, OMIM 202370.

Submission:

Labcorp Genetics (formerly Invitae), Labcorp
Classification: Uncertain significance for Peroxisome biogenesis disorder 2B. Last evaluated: 2022-04-16. Review status: criteria provided, single submitter. Criteria: Invitae Variant Classification Sherloc (09022015). Collection method: clinical testing. Allele origin: germline.
Comment: This sequence change affects codon 231 of the PEX5 mRNA. It is a 'silent' change, meaning that it does not change the encoded amino acid sequence of the PEX5 protein. In summary, the available evidence is currently insufficient to determine the role of this variant in disease. Therefore, it has been classified as a Variant of Uncertain Significance. Algorithms developed to predict the effect of sequence changes on RNA splicing suggest that this variant may disrupt the consensus splice site. This variant has not been reported in the literature in individuals affected with PEX5-related conditions. This variant is not present in population databases (gnomAD no frequency).